The following is an entry in ClinVar:

NM_001382289.1(FSHB):c.343C>T (p.Arg115Ter)

Genes: ARL14EP-DT (ARL14EP divergent transcript; minus strand), FSHB (follicle stimulating hormone subunit beta; plus strand). Cytogenetic location: 11p14.1.
Variant type: single nucleotide variant.
Coding change: c.343C>T on transcript NM_001382289.1 (MANE Select); coding-DNA position 343, C replaced by T.
Protein change: p.Arg115Ter; replaces arginine 115 with a stop codon.
Molecular consequence: nonsense.
Genome position (GRCh38, 1-based): chr11:30,233,753, C>T. VCF-style: chr11-30233753-C-T. GRCh37 (hg19) VCF-style: chr11-30255300-C-T.
Other names: c.343C>T, p.Arg115Ter (NM_000510.4, NM_001018080.3); short protein forms R115*.
Identifiers: ClinVar variation 375419 (VCV000375419.3), dbSNP rs374623109, ClinGen allele CA5930806.

ClinVar aggregate classification (germline): Likely pathogenic (0 of 4 stars; one submission).

Conditions:
Hypogonadotropic hypogonadism 24 without anosmia (HH24). Also called: Follicle-stimulating hormone deficiency, isolated; HYPOGONADOTROPIC HYPOGONADISM 24 WITH OR WITHOUT ANOSMIA. Identifiers: Orphanet 52901, MedGen C5574957, MONDO:0009239, OMIM 229070.

Allele frequency attached by ClinVar (database versions not stated): TOPMed 0.00002; gnomAD 0.00001; gnomAD exomes 0.00002; ESP Exome Variant Server 0.00008; ExAC 0.00002.
gnomAD v4.1: 11 of 1,613,864 alleles (0.00068%); highest among the groups gnomAD compares: East Asian, 0.0022%; no homozygotes.

Submission:

Key Laboratory of Endocrinology, Peking Union Medical College Hospital
Classification: Likely pathogenic for Hypogonadotropic hypogonadism 24 without anosmia. Last evaluated: 2016-02-01. Review status: no assertion criteria provided. Collection method: research. Allele origin: germline. Inheritance: Autosomal recessive inheritance. Affected: yes. Observed: 1 variant allele, 1 homozygote.
Comment: The disease manifestations include azoospermia and normal testosterone levels in men.

Literature cited by the submitters: PubMed 28392474.